The following is an entry in ClinVar:

ClinVar aggregate classification (germline): Likely benign. Review status: criteria provided, multiple submitters, no conflicts (2 of 4 stars). 2 submissions from 2 submitters: Likely benign (2). Last evaluated 2026-05-01.

gnomAD v4.1: 32 of 1,605,124 alleles (0.002%); highest among the groups gnomAD compares: Admixed American, 0.0034%; no homozygotes.

Submissions (2):

CeGaT Center for Human Genetics Tuebingen
Classification: Likely benign. Last evaluated: 2026-05-01. Review status: criteria provided, single submitter. Criteria: CeGaT Center For Human Genetics Tuebingen Variant Classification Criteria Version 2. Collection method: clinical testing. Allele origin: germline. Affected: yes. Observed: 1 variant allele.
Comment: DHX37: BP4, BP7

Labcorp Genetics (formerly Invitae), Labcorp
Classification: Likely benign. Last evaluated: 2025-12-10. Review status: criteria provided, single submitter. Criteria: Invitae Variant Classification Sherloc (09022015). Collection method: clinical testing. Allele origin: germline.

NM_032656.4(DHX37):c.3435C>T (p.Pro1145=)

Gene: DHX37 (DEAH-box helicase 37; minus strand). Cytogenetic location: 12q24.31.
Variant type: single nucleotide variant.
Coding change: c.3435C>T on transcript NM_032656.4 (MANE Select); coding-DNA position 3435, C replaced by T.
Protein change: p.Pro1145=; no amino-acid change (proline 1145 retained).
Molecular consequence: synonymous variant.
Genome position (GRCh38, 1-based): chr12:124,947,841, G>A on the plus strand (C>T on the coding strand, the complement: DHX37 is on the minus strand). VCF-style: chr12-124947841-G-A. GRCh37 (hg19) VCF-style: chr12-125432387-G-A.
Identifiers: ClinVar variation 4754509 (VCV004754509.3).
Genomic context (GRCh38, chr12:124,947,841, plus strand): 5'-GCCCTGCAGCCAGGTTTCTGGTCAGTGGACAGTGGTGGGGGGCCAGGCTTTCTCGATATC[G>A]GGGTGCATGGCCTGTGGAAGCCACTCACAGTACTCAGCCAGCAGGTCTGCAGGGGAGGGA-3'
Protein context (NP_116045.2, residues 1135-1155): YCEWLPQAMH[Pro1145=]DIEKAWPPTT